The following is an entry in ClinVar:

ClinVar aggregate classification (germline): Uncertain significance. Review status: criteria provided, multiple submitters, no conflicts (2 of 4 stars). 2 submissions from 2 submitters: Uncertain significance (2). Last evaluated 2024-11-21.

Conditions:
Arginase deficiency. Also called: Arginase 1 Deficiency; ARGININEMIA; ARG1 DEFICIENCY. Identifiers: Orphanet 90, MedGen C0268548, MONDO:0008814, OMIM 207800.

Allele frequency attached by ClinVar (database versions not stated): TOPMed 0.00001; ExAC 0.00001.
gnomAD v4.1: 22 of 1,614,096 alleles (0.0014%); highest among the groups gnomAD compares: Non-Finnish European, 0.0019%; no homozygotes.

Submissions (2):

GeneDx
Classification: Uncertain significance. Last evaluated: 2024-11-21. Review status: criteria provided, single submitter. Criteria: GeneDx Variant Classification Process June 2021. Collection method: clinical testing. Allele origin: germline. Affected: yes.
Comment: Not observed at significant frequency in large population cohorts (gnomAD); In silico analysis supports that this missense variant has a deleterious effect on protein structure/function; Has not been previously published as pathogenic or benign to our knowledge

Labcorp Genetics (formerly Invitae), Labcorp
Classification: Uncertain significance for Arginase deficiency. Last evaluated: 2022-08-09. Review status: criteria provided, single submitter. Criteria: Invitae Variant Classification Sherloc (09022015). Collection method: clinical testing. Allele origin: germline.
Comment: This sequence change replaces glycine, which is neutral and non-polar, with valine, which is neutral and non-polar, at codon 257 of the ARG1 protein (p.Gly257Val). This variant is present in population databases (rs772473981, gnomAD 0.0009%). This variant has not been reported in the literature in individuals affected with ARG1-related conditions. Algorithms developed to predict the effect of missense changes on protein structure and function are either unavailable or do not agree on the potential impact of this missense change (SIFT: "Deleterious"; PolyPhen-2: "Probably Damaging"; Align-GVGD: "Class C0"). In summary, the available evidence is currently insufficient to determine the role of this variant in disease. Therefore, it has been classified as a Variant of Uncertain Significance.

NM_000045.4(ARG1):c.770G>T (p.Gly257Val)

Genes: ARG1 (arginase 1; plus strand), MED23 (mediator complex subunit 23; minus strand). Cytogenetic location: 6q23.2.
Variant type: single nucleotide variant.
Coding change: c.770G>T on transcript NM_000045.4 (MANE Select); coding-DNA position 770, G replaced by T.
Protein change: p.Gly257Val; replaces glycine 257 with valine.
Molecular consequence: missense variant. On other transcripts: non-coding transcript variant (1), intron variant (2).
Genome position (GRCh38, 1-based): chr6:131,583,459, G>T. VCF-style: chr6-131583459-G-T. GRCh37 (hg19) VCF-style: chr6-131904599-G-T.
Other names: c.794G>T, p.Gly265Val (NM_001244438.2); c.515G>T, p.Gly172Val (NM_001369020.1); c.4077+4250C>A (NM_001270521.2); c.4095+4250C>A (NM_015979.4); short protein forms G265V, G172V, G257V.
Identifiers: ClinVar variation 2151406 (VCV002151406.2), dbSNP rs772473981, ClinGen allele CA3999363.